The following is an entry in ClinVar:

ClinVar aggregate classification (germline): Pathogenic (1 of 4 stars; one submission).

Conditions:
Donnai-Barrow syndrome. Also called: DBS/FOAR SYNDROME; FACIOOCULOACOUSTICORENAL SYNDROME. Identifiers: Orphanet 2143, MedGen C1857277, MONDO:0009104, OMIM 222448.

Submission:

Myriad Genetics, Inc.
Classification: Pathogenic for Donnai-Barrow syndrome. Last evaluated: 2025-05-31. Review status: criteria provided, single submitter. Criteria: Myriad Autosomal Dominant, Autosomal Recessive and X-Linked Classification Criteria (2023). Collection method: clinical testing. Allele origin: unknown.
Comment: NM_004525.2(LRP2):c.7831_7832delTA(Y2611Hfs*8) is expected to be pathogenic in the context of Donnai-Barrow syndrome. This variant is predicted to lead to an abnormal or absent protein product due to the creation of a premature termination codon in LRP2, a gene where loss-of-function variants are known to be pathogenic. Please note: this variant was assessed in the context of healthy population screening.

NM_004525.3(LRP2):c.7831_7832del (p.Tyr2611fs)

Gene: LRP2 (LDL receptor related protein 2; minus strand). Cytogenetic location: 2q31.1.
Variant type: Deletion.
Coding change: c.7831_7832del on transcript NM_004525.3 (MANE Select); coding-DNA positions 7831 to 7832, 2 bases deleted (TA; older notation c.7831_7832delTA).
Protein change: p.Tyr2611fs; shifts the reading frame from tyrosine 2611.
Molecular consequence: frameshift variant.
Genome position (GRCh38, 1-based): chr2:169,204,155-169,204,156, TA deleted on the plus strand (TA on the coding strand, the reverse complement: LRP2 is on the minus strand). VCF-style (leftmost placement, unchanged base first): chr2-169204154-GTA-G. GRCh37 (hg19) VCF-style: chr2-170060664-GTA-G.
Other names: short protein forms Y2611fs.
Identifiers: ClinVar variation 5014538 (VCV005014538.1).